The following is an entry in ClinVar:

ClinVar aggregate classification (germline): Benign. Review status: criteria provided, multiple submitters, no conflicts (2 of 4 stars). 3 submissions from 3 submitters: Benign (3). Last evaluated 2019-04-20.

Conditions:
Ulnar-mammary syndrome (UMS). Also called: SCHINZEL SYNDROME; Ulnar-mammary syndrome of Pallister; PALLISTER ULNAR-MAMMARY SYNDROME. Identifiers: Orphanet 3138, MedGen C1866994, MONDO:0008411, OMIM 181450.

Allele frequency attached by ClinVar (database versions not stated): TOPMed 0.04209; gnomAD 0.04771 and 0.05059; 1000 Genomes Project 30x 0.05637; 1000 Genomes Project 0.05791; gnomAD exomes 0.06150.

Submissions (3):

GeneDx
Classification: Benign. Last evaluated: 2019-04-20. Review status: criteria provided, single submitter. Criteria: GeneDx Variant Classification Process June 2021. Collection method: clinical testing. Allele origin: germline. Affected: yes.

Illumina Laboratory Services, Illumina
Classification: Benign for Ulnar-mammary syndrome. Last evaluated: 2018-01-13. Review status: criteria provided, single submitter. Criteria: ICSL Variant Classification Criteria 13 December 2019. Collection method: clinical testing. Allele origin: germline.
Comment: This variant was observed in the ICSL laboratory as part of a predisposition screen in an ostensibly healthy population. It had not been previously curated by ICSL or reported in the Human Gene Mutation Database (HGMD: prior to June 1st, 2018), and was therefore a candidate for classification through an automated scoring system. Utilizing variant allele frequency, disease prevalence and penetrance estimates, and inheritance mode, an automated score was calculated to assess if this variant is too frequent to cause the disease. Based on the score and internal cut-off values, a variant classified as benign is not then subjected to further curation. The score for this variant resulted in a classification of benign for this disease.

Breakthrough Genomics
Classification: Benign. Review status: criteria provided, single submitter. Criteria: ACMG Guidelines, 2015. Collection method: not provided. Allele origin: germline. Inheritance: Autosomal dominant inheritance. Affected: yes.

NM_005996.4(TBX3):c.*132G>A

Gene: TBX3 (T-box transcription factor 3; minus strand). Cytogenetic location: 12q24.21.
Variant type: single nucleotide variant.
Coding change: c.*132G>A on transcript NM_005996.4 (MANE Select); 132 bases downstream of the stop codon, G replaced by A.
Molecular consequence: 3 prime UTR variant.
Genome position (GRCh38, 1-based): chr12:114,671,709, C>T on the plus strand (G>A on the coding strand, the complement: TBX3 is on the minus strand). VCF-style: chr12-114671709-C-T. GRCh37 (hg19) VCF-style: chr12-115109514-C-T.
Other names: c.*132G>A (NM_016569.4).
Identifiers: ClinVar variation 307347 (VCV000307347.7), dbSNP rs79564336, ClinGen allele CA10641084.
Genomic context (GRCh38, chr12:114,671,709, plus strand): 5'-GACATATAAACCACGCCAAGAAGACAGGGGCTGTCTCTAGCACATTCTCTCGAGGGAGTC[C>T]GGGGCCCCTTCCCAGACGCAACTGCAAAAGGAAGGGCTAACGCCATGGCGGGCCCGTGGT-3'